The following is an entry in ClinVar:

NC_000015.9:g.(?_48936783)_(48936966_?)del

Gene: FBN1 (fibrillin 1; minus strand). Cytogenetic location: 15q21.1.
Variant type: Deletion.
Identifiers: ClinVar variation 1458689 (VCV001458689.5).

ClinVar aggregate classification (germline): Pathogenic (1 of 4 stars; one submission).

Conditions:
Marfan syndrome (MFS). Also called: MARFAN SYNDROME, TYPE I; Marfan syndrome type 1; Marfan's syndrome; Marfan syndrome, classic; FBN1-Related Marfan Syndrome. Identifiers: Orphanet 284963, Orphanet 558, MedGen C0024796, MONDO:0007947, OMIM 154700.
Familial thoracic aortic aneurysm and aortic dissection (TAAD). Also called: Thoracic aortic aneurysms and dissections. Identifiers: Orphanet 91387, MedGen C4707243, MONDO:0019625.

Submission:

Labcorp Genetics (formerly Invitae), Labcorp
Classification: Pathogenic for Marfan syndrome; Familial thoracic aortic aneurysm and aortic dissection. Last evaluated: 2023-12-11. Review status: criteria provided, single submitter. Criteria: Invitae Variant Classification Sherloc (09022015). Collection method: clinical testing. Allele origin: germline.
Comment: This variant is a gross deletion of the genomic region encompassing exon(s) 2 of the FBN1 gene, which includes the initiator codon. This deletion extends beyond the assayed region for this gene and therefore may encompass additional genes. It is expected to result in an absent or disrupted protein product. Loss-of-function variants in FBN1 are known to be pathogenic (PMID: 17657824, 19293843). This variant has not been reported in the literature in individuals affected with FBN1-related conditions. For these reasons, this variant has been classified as Pathogenic.

Literature cited by the submitters: PubMed 17657824; PubMed 19293843.